The following is an entry in ClinVar:

ClinVar aggregate classification (germline): Pathogenic. Review status: criteria provided, multiple submitters, no conflicts (2 of 4 stars). 2 submissions from 2 submitters: Pathogenic (2). Last evaluated 2023-01-17.

Conditions:
Hereditary cancer-predisposing syndrome. Also called: Neoplastic Syndromes, Hereditary; Tumor predisposition; Hereditary neoplastic syndrome; Hereditary Cancer Syndrome. Identifiers: Orphanet 140162, MedGen C0027672, MeSH D009386, MONDO:0015356.
Cardiovascular phenotype. Identifiers: MedGen CN230736.
Neurofibromatosis, type 1 (NF1). Also called: NEUROFIBROMATOSIS, TYPE I, SOMATIC; Peripheral type neurofibromatosis; VON RECKLINGHAUSEN DISEASE; Neurofibromatosis, type I. Identifiers: Orphanet 636, MedGen C0027831, MONDO:0018975, OMIM 162200. Disease mechanism: loss of function.

Submissions (2):

Labcorp Genetics (formerly Invitae), Labcorp
Classification: Pathogenic for Neurofibromatosis, type 1. Last evaluated: 2023-01-17. Review status: criteria provided, single submitter. Criteria: Invitae Variant Classification Sherloc (09022015). Collection method: clinical testing. Allele origin: germline.
Comment: This sequence change creates a premature translational stop signal (p.Lys92Asnfs*11) in the NF1 gene. It is expected to result in an absent or disrupted protein product. Loss-of-function variants in NF1 are known to be pathogenic (PMID: 10712197, 23913538). This variant is not present in population databases (gnomAD no frequency). This variant has not been reported in the literature in individuals affected with NF1-related conditions. ClinVar contains an entry for this variant (Variation ID: 1795787). For these reasons, this variant has been classified as Pathogenic.

Ambry Genetics
Classification: Pathogenic for Cardiovascular phenotype; Hereditary cancer-predisposing syndrome. Last evaluated: 2021-12-15. Review status: criteria provided, single submitter. Criteria: Ambry Variant Classification Scheme 2023. Collection method: clinical testing. Allele origin: germline.
Comment: The c.276delA pathogenic mutation, located in coding exon 3 of the NF1 gene, results from a deletion of one nucleotide at nucleotide position 276, causing a translational frameshift with a predicted alternate stop codon (p.K92Nfs*11). This alteration has been observed in at least one individual with a personal history that is consistent with neurofibromatosis type I (Ambry internal data). This variant is considered to be rare based on population cohorts in the Genome Aggregation Database (gnomAD). This alteration is expected to result in loss of function by premature protein truncation or nonsense-mediated mRNA decay. As such, this alteration is interpreted as a disease-causing mutation.

Literature cited by the submitters: PubMed 10712197 (cited by Labcorp Genetics (formerly Invitae), Labcorp); PubMed 23913538 (cited by Labcorp Genetics (formerly Invitae), Labcorp).

NM_001042492.3(NF1):c.276del (p.Lys92fs)

Gene: NF1 (neurofibromin 1; plus strand). Cytogenetic location: 17q11.2.
Variant type: Deletion.
Coding change: c.276del on transcript NM_001042492.3 (MANE Select); coding-DNA position 276, one base deleted (A; older notation c.276delA).
Protein change: p.Lys92fs; shifts the reading frame from lysine 92.
Molecular consequence: frameshift variant.
Genome position (GRCh38, 1-based): chr17:31,159,081, A deleted; the last of 5 consecutive A bases (chr17:31,159,077-31,159,081); deleting any one gives the same sequence. VCF-style (leftmost placement, unchanged base first): chr17-31159076-GA-G. GRCh37 (hg19) VCF-style: chr17-29486094-GA-G.
Other names: c.276delA (NM_000267.3); c.276delA, p.Lys92Asnfs (NM_000267.4); c.276del, p.Lys92fs (NM_001128147.3); short protein forms K92fs.
Identifiers: ClinVar variation 1795787 (VCV001795787.5), dbSNP rs2065718031, ClinGen allele CA982961044.